The following is an entry in ClinVar:

NM_033004.4(NLRP1):c.2507G>A (p.Arg836His)

Gene: NLRP1 (NLR family pyrin domain containing 1; minus strand). Cytogenetic location: 17p13.2.
Variant type: single nucleotide variant.
Coding change: c.2507G>A on transcript NM_033004.4 (MANE Select); coding-DNA position 2507, G replaced by A.
Protein change: p.Arg836His; replaces arginine 836 with histidine.
Molecular consequence: missense variant.
Genome position (GRCh38, 1-based): chr17:5,553,407, C>T on the plus strand (G>A on the coding strand, the complement: NLRP1 is on the minus strand). VCF-style: chr17-5553407-C-T. GRCh37 (hg19) VCF-style: chr17-5456727-C-T.
Other names: c.2507G>A (NM_033004.3); c.2507G>A, p.Arg836His (NM_001033053.3, NM_014922.5, NM_033006.4 and 1 more transcripts); short protein forms R836H.
Identifiers: ClinVar variation 1164559 (VCV001164559.12), dbSNP rs201879763, ClinGen allele CA8327152.

ClinVar aggregate classification (germline): Benign/Likely benign. Review status: criteria provided, multiple submitters, no conflicts (2 of 4 stars). 3 submissions from 3 submitters: Benign (1); Likely benign (1). 1 of the submissions does not count toward it. Last evaluated 2025-12-22.

Conditions:
NLRP1-related disorder. Also called: NLRP1-related condition.

Allele frequency attached by ClinVar (database versions not stated): ESP Exome Variant Server 0.00008; gnomAD 0.00008 and 0.00023; TOPMed 0.00009; gnomAD exomes 0.00046 and 0.00081; ExAC 0.00092; 1000 Genomes Project 30x 0.00094; 1000 Genomes Project 0.00120.
gnomAD v4.1: 696 of 1,613,274 alleles (0.043%); highest among the groups gnomAD compares: South Asian, 0.7%; 8 homozygotes.

Submissions (3):

Labcorp Genetics (formerly Invitae), Labcorp
Classification: Benign. Last evaluated: 2025-12-22. Review status: criteria provided, single submitter. Criteria: Invitae Variant Classification Sherloc (09022015). Collection method: clinical testing. Allele origin: germline.

Blueprint Genetics
Classification: Likely benign. Last evaluated: 2022-12-19. Review status: criteria provided, single submitter. Criteria: ACMG Guidelines, 2015. Collection method: clinical testing. Allele origin: germline.

PreventionGenetics, part of Exact Sciences
Classification: Likely benign for NLRP1-related condition. Last evaluated: 2019-10-28. Review status: no assertion criteria provided. Collection method: clinical testing. Allele origin: germline. Not counted in ClinVar's aggregate classification.
Comment: This variant is classified as likely benign based on ACMG/AMP sequence variant interpretation guidelines (Richards et al. 2015 PMID: 25741868, with internal and published modifications).